The following is an entry in ClinVar:

NM_001205293.3(CACNA1E):c.2247C>T (p.Asp749=)

Gene: CACNA1E (calcium voltage-gated channel subunit alpha1 E; plus strand). Cytogenetic location: 1q25.3.
Variant type: single nucleotide variant.
Coding change: c.2247C>T on transcript NM_001205293.3 (MANE Select); coding-DNA position 2247, C replaced by T.
Protein change: p.Asp749=; no amino-acid change (aspartic acid 749 retained).
Molecular consequence: synonymous variant. On other transcripts: intron variant (1).
Genome position (GRCh38, 1-based): chr1:181,731,181, C>T. VCF-style: chr1-181731181-C-T. GRCh37 (hg19) VCF-style: chr1-181700317-C-T.
Other names: c.2247C>T, p.Asp749= (NM_000721.4); c.2241-1203C>T (NM_001205294.2).
Identifiers: ClinVar variation 3639257 (VCV003639257.2).

ClinVar aggregate classification (germline): Uncertain significance (1 of 4 stars; one submission).

Submission:

Labcorp Genetics (formerly Invitae), Labcorp
Classification: Uncertain significance. Last evaluated: 2024-10-29. Review status: criteria provided, single submitter. Criteria: Invitae Variant Classification Sherloc (09022015). Collection method: clinical testing. Allele origin: germline.
Comment: This sequence change affects codon 749 of the CACNA1E mRNA. It is a 'silent' change, meaning that it does not change the encoded amino acid sequence of the CACNA1E protein. This variant is not present in population databases (gnomAD no frequency). This variant has not been reported in the literature in individuals affected with CACNA1E-related conditions. Algorithms developed to predict the effect of sequence changes on RNA splicing suggest that this variant may disrupt the consensus splice site. In summary, the available evidence is currently insufficient to determine the role of this variant in disease. Therefore, it has been classified as a Variant of Uncertain Significance.